The following is an entry in ClinVar:

ClinVar aggregate classification (germline): Benign/Likely benign. Review status: criteria provided, multiple submitters, no conflicts (2 of 4 stars). 7 submissions from 7 submitters: Benign (4); Likely benign (2). 1 of the submissions does not count toward it. Last evaluated 2026-01-30.

Conditions:
PIGO-related disorder. Also called: PIGO-related condition.
Hyperphosphatasia with impaired intellectual development syndrome 2. Also called: Hyperphosphatasia with intellectual disability syndrome 2; GLYCOSYLPHOSPHATIDYLINOSITOL BIOSYNTHESIS DEFECT 6. Identifiers: Orphanet 247262, MedGen C3553637, MONDO:0013882, OMIM 614749.

Allele frequency attached by ClinVar (database versions not stated): 1000 Genomes Project 30x 0.00078; 1000 Genomes Project 0.00100; TOPMed 0.00208; gnomAD 0.00267 and 0.00277; ESP Exome Variant Server 0.00269; gnomAD exomes 0.00318 and 0.00350; ExAC 0.00359.

Submissions (7):

Labcorp Genetics (formerly Invitae), Labcorp
Classification: Benign for Hyperphosphatasia with impaired intellectual development syndrome 2. Last evaluated: 2026-01-30. Review status: criteria provided, single submitter. Criteria: Invitae Variant Classification Sherloc (09022015). Collection method: clinical testing. Allele origin: germline.

Mayo Clinic Laboratories, Mayo Clinic
Classification: Benign. Last evaluated: 2025-06-05. Review status: criteria provided, single submitter. Criteria: ACMG Guidelines, 2015. Collection method: clinical testing. Allele origin: germline. Observed: 1 variant allele.
Comment: BS1, BS2

CeGaT Center for Human Genetics Tuebingen
Classification: Benign. Last evaluated: 2025-05-01. Review status: criteria provided, single submitter. Criteria: CeGaT Center For Human Genetics Tuebingen Variant Classification Criteria Version 2. Collection method: clinical testing. Allele origin: germline. Affected: yes. Observed: 3 variant alleles.
Comment: PIGO: BS1, BS2

Illumina Laboratory Services, Illumina
Classification: Likely benign for Hyperphosphatasia with impaired intellectual development syndrome 2. Last evaluated: 2018-01-13. Review status: criteria provided, single submitter. Criteria: ICSL Variant Classification Criteria 13 December 2019. Collection method: clinical testing. Allele origin: germline.
Comment: This variant was observed in the ICSL laboratory as part of a predisposition screen in an ostensibly healthy population. It had not been previously curated by ICSL or reported in the Human Gene Mutation Database (HGMD: prior to June 1st, 2018), and was therefore a candidate for classification through an automated scoring system. Utilizing variant allele frequency, disease prevalence and penetrance estimates, and inheritance mode, an automated score was calculated to assess if this variant is too frequent to cause the disease. Based on the score and internal cut-off values, a variant classified as likely benign is not then subjected to further curation. The score for this variant resulted in a classification of likely benign for this disease.

GeneDx
Classification: Benign. Last evaluated: 2017-11-22. Review status: criteria provided, single submitter. Criteria: GeneDx Variant Classification (06012015). Collection method: clinical testing. Allele origin: germline. Affected: yes.
Comment: This variant is considered likely benign or benign based on one or more of the following criteria: it is a conservative change, it occurs at a poorly conserved position in the protein, it is predicted to be benign by multiple in silico algorithms, and/or has population frequency not consistent with disease.

Center for Pediatric Genomic Medicine, Children's Mercy Hospital and Clinics
Classification: Likely benign. Last evaluated: 2017-06-02. Review status: criteria provided, single submitter. Criteria: ACMG Guidelines, 2015. Collection method: clinical testing. Allele origin: germline.

PreventionGenetics, part of Exact Sciences
Classification: Benign for PIGO-related condition. Last evaluated: 2024-06-05. Review status: no assertion criteria provided. Collection method: clinical testing. Allele origin: germline. Not counted in ClinVar's aggregate classification.
Comment: This variant is classified as benign based on ACMG/AMP sequence variant interpretation guidelines (Richards et al. 2015 PMID: 25741868, with internal and published modifications).

Literature cited by the submitters: PubMed 23552953 (cited by Mayo Clinic Laboratories, Mayo Clinic).

NM_032634.4(PIGO):c.461C>A (p.Ala154Asp)

Gene: PIGO (phosphatidylinositol glycan anchor biosynthesis class O; minus strand). Cytogenetic location: 9p13.3.
Variant type: single nucleotide variant.
Coding change: c.461C>A on transcript NM_032634.4 (MANE Select); coding-DNA position 461, C replaced by A.
Protein change: p.Ala154Asp; replaces alanine 154 with aspartic acid.
Molecular consequence: missense variant.
Genome position (GRCh38, 1-based): chr9:35,095,105, G>T on the plus strand (C>A on the coding strand, the complement: PIGO is on the minus strand). VCF-style: chr9-35095105-G-T. GRCh37 (hg19) VCF-style: chr9-35095102-G-T.
Other names: p.Ala154Asp; c.461C>A, p.Ala154Asp (NM_001201484.2, NM_152850.4); short protein forms A154D.
Identifiers: ClinVar variation 262099 (VCV000262099.42), dbSNP rs142562923, ClinGen allele CA5040938.